The following is an entry in ClinVar:

NM_012414.4(RAB3GAP2):c.2756C>G (p.Ala919Gly)

Gene: RAB3GAP2 (RAB3 GTPase activating non-catalytic protein subunit 2; minus strand). Cytogenetic location: 1q41.
Variant type: single nucleotide variant.
Coding change: c.2756C>G on transcript NM_012414.4 (MANE Select); coding-DNA position 2756, C replaced by G.
Protein change: p.Ala919Gly; replaces alanine 919 with glycine.
Molecular consequence: missense variant.
Genome position (GRCh38, 1-based): chr1:220,170,942, G>C on the plus strand (C>G on the coding strand, the complement: RAB3GAP2 is on the minus strand). VCF-style: chr1-220170942-G-C. GRCh37 (hg19) VCF-style: chr1-220344284-G-C.
Other names: short protein forms A919G.
Identifiers: ClinVar variation 1429221 (VCV001429221.6), dbSNP rs2102858848, ClinGen allele CA344637635.

ClinVar aggregate classification (germline): Uncertain significance (1 of 4 stars; one submission).

Conditions:
Warburg micro syndrome 2 (WARBM2). Also called: MICRO SYNDROME 2. Identifiers: Orphanet 2510, MedGen C3280214, MONDO:0013641, OMIM 614225.
Martsolf syndrome (MARTS). Also called: Congenital cataract with intellectual disability and hypogonadotropic hypogonadism syndrome. Identifiers: Orphanet 1387, MedGen C0796037, MONDO:0023910.

Submission:

Labcorp Genetics (formerly Invitae), Labcorp
Classification: Uncertain significance for Martsolf syndrome; Warburg micro syndrome 2. Last evaluated: 2021-12-15. Review status: criteria provided, single submitter. Criteria: Invitae Variant Classification Sherloc (09022015). Collection method: clinical testing. Allele origin: germline.
Comment: In summary, the available evidence is currently insufficient to determine the role of this variant in disease. Therefore, it has been classified as a Variant of Uncertain Significance. Algorithms developed to predict the effect of sequence changes on RNA splicing suggest that this variant may create or strengthen a splice site. Algorithms developed to predict the effect of missense changes on protein structure and function (SIFT, PolyPhen-2, Align-GVGD) all suggest that this variant is likely to be tolerated. This variant has not been reported in the literature in individuals affected with RAB3GAP2-related conditions. This variant is not present in population databases (gnomAD no frequency). This sequence change replaces alanine, which is neutral and non-polar, with glycine, which is neutral and non-polar, at codon 919 of the RAB3GAP2 protein (p.Ala919Gly).